The following is an entry in ClinVar:

ClinVar aggregate classification (germline): Conflicting classifications of pathogenicity. Review status: criteria provided, conflicting classifications (1 of 4 stars). 16 submissions from 16 submitters: Uncertain significance (11); Likely benign (1). 4 of the submissions do not count toward it. Last evaluated 2025-10-24.

Conditions:
BRCA2-related cancer predisposition. Identifiers: MedGen CN377758, MONDO:0700269.
Prostate cancer. Also called: Malignant tumor of prostate. Identifiers: Orphanet 1331, MedGen C0376358, MONDO:0008315, HP:0012125.
Medulloblastoma (MDB). Also called: MEDULLOBLASTOMA PREDISPOSITION SYNDROME; Medulloblastoma, somatic. Identifiers: Orphanet 616, MedGen C0025149, MeSH D008527, MONDO:0007959, OMIM 155255, HP:0002885.
Breast-ovarian cancer, familial, susceptibility to, 2 (BROVCA2). Also called: BRCA2 Hereditary Breast and Ovarian Cancer. Identifiers: Orphanet 145, MedGen C2675520, MONDO:0012933, OMIM 612555. Disease mechanism: loss of function.
Fanconi anemia complementation group D1. Also called: BRCA2-Related Fanconi Anemia. Identifiers: Orphanet 319462, MedGen C1838457, MONDO:0011584, OMIM 605724.
Wilms tumor 1 (WT1). Also called: Wilms tumor, somatic. Identifiers: Orphanet 654, MedGen CN033288, MONDO:0008679, OMIM 194070.
Pancreatic cancer, susceptibility to, 2. Identifiers: Orphanet 1333, MedGen C3150546, MONDO:0013235, OMIM 613347.
Glioma susceptibility 3 (GLM3). Also called: Glioblastoma 3. Identifiers: Orphanet 182067, Orphanet 360, MedGen C2751641, MONDO:0013093, OMIM 613029.
Familial cancer of breast. Also called: BREAST CANCER, FAMILIAL; hereditary breast carcinoma; Hereditary breast cancer. Identifiers: Orphanet 227535, MedGen C0346153, MONDO:0016419, OMIM 114480. Disease mechanism: loss of function.
Hereditary cancer-predisposing syndrome. Also called: Hereditary Cancer Syndrome; Tumor predisposition; Neoplastic Syndromes, Hereditary; Hereditary neoplastic syndrome. Identifiers: Orphanet 140162, MedGen C0027672, MeSH D009386, MONDO:0015356.
Hereditary breast ovarian cancer syndrome. Also called: Breast and ovarian cancer; BRCA1- and BRCA2-Associated Hereditary Breast and Ovarian Cancer; Hereditary breast and ovarian cancer; Hereditary breast and ovarian cancer syndrome (HBOC); Hereditary breast and ovarian cancer syndrome; Hereditary breast and/or ovarian cancer syndrome. Identifiers: Orphanet 145, MedGen C0677776, MeSH D061325, MONDO:0003582. Disease mechanism: loss of function.

Allele frequency attached by ClinVar (database versions not stated): TOPMed below 0.00001; ExAC 0.00001; gnomAD exomes 0.00001; ESP Exome Variant Server 0.00008.
gnomAD v4.1: 8 of 1,613,724 alleles (0.0005%); highest among the groups gnomAD compares: Non-Finnish European, 0.00068%; no homozygotes.

Submissions (16):

Ambry Genetics
Classification: Uncertain significance for Hereditary cancer-predisposing syndrome. Last evaluated: 2025-10-24. Review status: criteria provided, single submitter. Criteria: Ambry Variant Classification Scheme 2023. Collection method: clinical testing. Allele origin: germline.
Comment: The p.P2352L variant (also known as c.7055C>T), located in coding exon 13 of the BRCA2 gene, results from a C to T substitution at nucleotide position 7055. The proline at codon 2352 is replaced by leucine, an amino acid with similar properties. This amino acid position is highly conserved in available vertebrate species. In addition, the in silico prediction for this alteration is inconclusive. Based on the available evidence, the clinical significance of this variant remains unclear.

Labcorp Genetics (formerly Invitae), Labcorp
Classification: Uncertain significance for Hereditary breast ovarian cancer syndrome. Last evaluated: 2025-09-28. Review status: criteria provided, single submitter. Criteria: Invitae Variant Classification Sherloc (09022015). Collection method: clinical testing. Allele origin: germline.
Comment: This sequence change replaces proline, which is neutral and non-polar, with leucine, which is neutral and non-polar, at codon 2352 of the BRCA2 protein (p.Pro2352Leu). This variant is present in population databases (rs80358934, gnomAD 0.002%). This missense change has been observed in individual(s) with breast cancer (PMID: 21520333). ClinVar contains an entry for this variant (Variation ID: 52258). Invitae Evidence Modeling of protein sequence and biophysical properties (such as structural, functional, and spatial information, amino acid conservation, physicochemical variation, residue mobility, and thermodynamic stability) indicates that this missense variant is not expected to disrupt BRCA2 protein function with a negative predictive value of 95%. In summary, the available evidence is currently insufficient to determine the role of this variant in disease. Therefore, it has been classified as a Variant of Uncertain Significance.

Color Diagnostics, LLC DBA Color Health
Classification: Uncertain significance for Hereditary cancer-predisposing syndrome. Last evaluated: 2025-05-20. Review status: criteria provided, single submitter. Criteria: ACMG Guidelines, 2015. Collection method: clinical testing. Allele origin: germline.
Comment: This missense variant replaces proline with leucine at codon 2352 of the BRCA2 protein. Computational prediction is inconclusive regarding the impact of this variant on protein structure and function. To our knowledge, functional studies have not been reported for this variant. This variant has not been reported in individuals affected with BRCA2-related disorders in the literature. This variant has been identified in 2/250862 chromosomes in the general population by the Genome Aggregation Database (gnomAD). The available evidence is insufficient to determine the role of this variant in disease conclusively. Therefore, this variant is classified as a Variant of Uncertain Significance.

Center for Genomic Medicine, Rigshospitalet, Copenhagen University Hospital
Classification: Likely benign. Last evaluated: 2025-03-04. Review status: criteria provided, single submitter. Criteria: ACMG Guidelines, 2015. Collection method: clinical testing. Allele origin: germline.

All of Us Research Program, National Institutes of Health
Classification: Uncertain significance for BRCA2-related cancer predisposition. Last evaluated: 2024-03-05. Review status: criteria provided, single submitter. Criteria: ACMG Guidelines, 2015. Collection method: clinical testing. Allele origin: germline. Inheritance: Autosomal dominant inheritance. Observed: 1 variant allele, 1 heterozygote.
Comment: This missense variant replaces proline with leucine at codon 2352 of the BRCA2 protein. Computational prediction tool is inconclusive regarding the impact of this variant on protein structure and function (internally defined REVEL score threshold 0.5 < inconclusive < 0.7, PMID: 27666373). Splice site prediction tools suggest that this variant may not impact RNA splicing. To our knowledge, functional studies have not been performed for this variant. This variant has not been reported in individuals affected with hereditary cancer in the literature. This variant has been identified in 2/250862 chromosomes in the general population by the Genome Aggregation Database (gnomAD). The available evidence is insufficient to determine the role of this variant in disease conclusively. Therefore, this variant is classified as a Variant of Uncertain Significance.

This study involves interpretation of variants in research participants for the purpose of population health screening. Participant phenotype was not available at the time of variant classification. Additional details can be found in publication PMID: 35346344, PMCID: PMC8962531

Baylor Genetics
Classification: Uncertain significance for Familial cancer of breast. Last evaluated: 2023-07-20. Review status: criteria provided, single submitter. Criteria: ACMG Guidelines, 2015. Collection method: clinical testing. Allele origin: unknown.

GeneDx
Classification: Uncertain significance. Last evaluated: 2023-02-17. Review status: criteria provided, single submitter. Criteria: GeneDx Variant Classification Process June 2021. Collection method: clinical testing. Allele origin: germline. Affected: yes.
Comment: Not observed at significant frequency in large population cohorts (gnomAD); In silico analysis supports that this missense variant has a deleterious effect on protein structure/function; Also known as 7283C>T; Observed in individuals with breast cancer (Warren et al., 2011); This variant is associated with the following publications: (PMID: 20167696, 29884841, 21520333, 32377563, 21741379)

CeGaT Center for Human Genetics Tuebingen
Classification: Uncertain significance. Last evaluated: 2022-11-01. Review status: criteria provided, single submitter. Criteria: CeGaT Center For Human Genetics Tuebingen Variant Classification Criteria Version 2. Collection method: clinical testing. Allele origin: germline. Affected: yes. Observed: 2 variant alleles.
Comment: BRCA2: PM2

Fulgent Genetics
Classification: Uncertain significance for Familial cancer of breast; Medulloblastoma; Familial prostate cancer; Wilms tumor 1; Fanconi anemia complementation group D1; Breast-ovarian cancer, familial, susceptibility to, 2; Glioma susceptibility 3; Pancreatic cancer, susceptibility to, 2. Last evaluated: 2021-11-10. Review status: criteria provided, single submitter. Criteria: ACMG Guidelines, 2015. Collection method: clinical testing. Allele origin: unknown.

Quest Diagnostics Nichols Institute San Juan Capistrano
Classification: Uncertain significance. Last evaluated: 2020-07-13. Review status: criteria provided, single submitter. Criteria: Quest Diagnostics criteria. Collection method: clinical testing. Allele origin: unknown.

Women's Health and Genetics/Laboratory Corporation of America, LabCorp
Classification: Uncertain significance. Last evaluated: 2016-07-15. Review status: criteria provided, single submitter. Criteria: LabCorp Variant Classification Summary - May 2015. Collection method: clinical testing. Allele origin: germline.
Comment: Variant summary: The BRCA2 c.7055C>T (p.Pro2352Leu) variant involves the alteration of a conserved nucleotide. 4/4 in silico tools predict a damaging outcome for this variant (SNPs&GO not captured due to low reliability index). Pro2352 is not located in a known functional domain of Breast cancer type 2 susceptibility protein. This variant was found in 1/121010 control chromosomes at a frequency of 0.0000083, which does not exceed the estimated maximal expected allele frequency of a pathogenic BRCA2 variant (0.0007503). In addition, multiple clinical diagnostic laboratories/reputable databases classified this variant as uncertain significance. The variant of interest has not, to our knowledge, been reported in affected individuals via publications; nor evaluated for functional impact by in vivo/vitro studies. Because of the absence of clinical information and the lack of functional studies, the variant is classified as a variant of uncertain significance (VUS) until additional information becomes available.

Clinical Genetics DNA and cytogenetics Diagnostics Lab, Erasmus MC, Erasmus Medical Center
Classification: Uncertain significance for Breast-ovarian cancer, familial, susceptibility to, 2. Last evaluated: 2015-09-21. Review status: criteria provided, single submitter. Criteria: ACGS Guidelines, 2013. Collection method: clinical testing. Allele origin: germline. Affected: yes. Study: VKGL Data-share Consensus.

Counsyl
Classification: Uncertain significance for Breast-ovarian cancer, familial, susceptibility to, 2. Last evaluated: 2016-01-13. Review status: no assertion criteria provided. Collection method: clinical testing. Allele origin: unknown. Not counted in ClinVar's aggregate classification.

Breast Cancer Information Core (BIC) (BRCA2)
Classification: Uncertain significance for Breast-ovarian cancer, familial 2. Last evaluated: 2003-12-23. Review status: no assertion criteria provided. Collection method: clinical testing. Allele origin: germline. Affected: yes. Observed: 2 variant alleles. Not counted in ClinVar's aggregate classification.

Diagnostic Laboratory, Department of Genetics, University Medical Center Groningen
Classification: Uncertain significance for Breast-ovarian cancer, familial, susceptibility to, 2. Review status: no assertion criteria provided. Collection method: clinical testing. Allele origin: germline. Affected: yes. Study: VKGL Data-share Consensus. Not counted in ClinVar's aggregate classification.

Joint Genome Diagnostic Labs from Nijmegen and Maastricht, Radboudumc and MUMC+
Classification: Uncertain significance. Review status: no assertion criteria provided. Collection method: clinical testing. Allele origin: germline. Affected: yes. Study: VKGL Data-share Consensus. Not counted in ClinVar's aggregate classification.

Literature cited by the submitters: PubMed 21520333 (cited by Labcorp Genetics (formerly Invitae), Labcorp); PubMed 21741379 (cited by Quest Diagnostics Nichols Institute San Juan Capistrano and Women's Health and Genetics/Laboratory Corporation of America, LabCorp); PubMed 20167696 (cited by Women's Health and Genetics/Laboratory Corporation of America, LabCorp).

NM_000059.4(BRCA2):c.7055C>T (p.Pro2352Leu)

Gene: BRCA2 (BRCA2 DNA repair associated; plus strand). Cytogenetic location: 13q13.1.
Variant type: single nucleotide variant.
Coding change: c.7055C>T on transcript NM_000059.4 (MANE Select); coding-DNA position 7055, C replaced by T.
Protein change: p.Pro2352Leu; replaces proline 2352 with leucine.
Molecular consequence: missense variant.
Genome position (GRCh38, 1-based): chr13:32,354,908, C>T. VCF-style: chr13-32354908-C-T. GRCh37 (hg19) VCF-style: chr13-32929045-C-T.
Other names: short protein forms P2352L.
Identifiers: ClinVar variation 52258 (VCV000052258.60), dbSNP rs80358934, ClinGen allele CA024812.